The following is an entry in ClinVar:

NM_021008.4(DEAF1):c.72_89del (p.19VAAAAA[1])

Gene: DEAF1 (DEAF1 transcription factor; minus strand). Cytogenetic location: 11p15.5.
Variant type: Deletion.
Coding change: c.72_89del on transcript NM_021008.4 (MANE Select); coding-DNA positions 72 to 89, 18 bases deleted (TGTGGCGGCGGCGGCCGC).
Protein change: p.19VAAAAA[1].
Molecular consequence: inframe deletion. On other transcripts: inframe indel (1), intron variant (1).
Genome position (GRCh38, 1-based): chr11:694,959-694,976, GCGGCCGCCGCCGCCACA deleted on the plus strand (TGTGGCGGCGGCGGCCGC on the coding strand, the reverse complement: DEAF1 is on the minus strand); deleting any 18 consecutive bases within chr11:694,959-694,984 gives the same sequence; the c. name uses the placement nearest the transcript's 3' end. VCF-style (leftmost placement, unchanged base first): chr11-694958-CGCGGCCGCCGCCGCCACA-C. GRCh37 (hg19) VCF-style: chr11-694958-CGCGGCCGCCGCCGCCACA-C.
Other names: c.72_89del18 (NM_021008.3); c.64_81del18, p.Val25_Ala30del (NM_001293634.2); c.-437-3378_-437-3361del (NM_001367390.1).
Identifiers: ClinVar variation 1341919 (VCV001341919.7), dbSNP rs781243390, ClinGen allele CA5786668.
Genomic context (GRCh38, chr11:694,958, plus strand): 5'-CTCCTCCGAGTCCTCGTCCCTGCTCAGCACCGGCTCCTCCGCCTCGCCTCCTGCCGCGGC[CGCGGCCGCCGCCGCCACA>C]GCGGCCGCGGCCGCCACCGCCGCCGCCTCAGCCAGGCCCAGCTGCTTTGCCGCCGAGTCC-3'

ClinVar aggregate classification (germline): Conflicting classifications of pathogenicity. Review status: criteria provided, conflicting classifications (1 of 4 stars). 3 submissions from 3 submitters: Uncertain significance (2); Likely benign (1). Last evaluated 2025-07-22.

Conditions:
DEAF1-related disorder.
Intellectual disability-epilepsy-extrapyramidal syndrome (NEDHELS). Also called: Dyskinesia, seizures, and intellectual developmental disorder. Identifiers: Orphanet 468620, MedGen C4310683, MONDO:0014952, OMIM 617171.

Submissions (3):

PreventionGenetics, part of Exact Sciences
Classification: Likely benign for DEAF1-related condition. Last evaluated: 2025-07-22. Review status: criteria provided, single submitter. Criteria: ACMG Guidelines, 2015. Collection method: clinical testing. Allele origin: germline.
Comment: This variant is classified as likely benign based on ACMG/AMP sequence variant interpretation guidelines (Richards et al. 2015 PMID: 25741868, with internal and published modifications).

Labcorp Genetics (formerly Invitae), Labcorp
Classification: Uncertain significance. Last evaluated: 2021-04-08. Review status: criteria provided, single submitter. Criteria: Invitae Variant Classification Sherloc (09022015). Collection method: clinical testing. Allele origin: germline.
Comment: Experimental studies and prediction algorithms are not available or were not evaluated, and the functional significance of this variant is currently unknown. This variant, c.72_89del, results in the deletion of 6 amino acid(s) of the DEAF1 protein (p.Val25_Ala30del), but otherwise preserves the integrity of the reading frame. The frequency data for this variant in the population databases is considered unreliable, as metrics indicate poor data quality at this position in the ExAC database. This variant has not been reported in the literature in individuals with DEAF1-related conditions. In summary, the available evidence is currently insufficient to determine the role of this variant in disease. Therefore, it has been classified as a Variant of Uncertain Significance.

New York Genome Center
Classification: Uncertain significance for Intellectual disability-epilepsy-extrapyramidal syndrome. Last evaluated: 2020-06-05. Review status: criteria provided, single submitter. Criteria: NYGC Assertion Criteria 2020. Collection method: clinical testing. Allele origin: germline. Observed: 1 heterozygote. Study: CSER-NYCKidSeq.